The following is an entry in ClinVar:

ClinVar aggregate classification (germline): Benign/Likely benign. Review status: criteria provided, multiple submitters, no conflicts (2 of 4 stars). 2 submissions from 2 submitters: Benign (1); Likely benign (1). Last evaluated 2026-06-09.

Conditions:
Tumor predisposition syndrome 2 (TPDS2). Also called: MBD4-ASSOCIATED NEOPLASIA SYNDROME; MBD4-Related Tumor Predisposition Syndrome; MBD4-associated neoplasia syndrome (MANS). Identifiers: Orphanet 661526, MedGen C5774186, MONDO:0859267, OMIM 619975.

Allele frequency attached by ClinVar (database versions not stated): gnomAD 0.00001; TOPMed 0.00001.
gnomAD v4.1: 1 of 1,609,314 alleles (0.000062%); highest among the groups gnomAD compares: African/African-American, 0.0013%; no homozygotes.

Submissions (2):

Myriad Genetics, Inc.
Classification: Benign for Tumor predisposition syndrome 2. Last evaluated: 2026-06-09. Review status: criteria provided, single submitter. Criteria: Myriad Autosomal Dominant, Autosomal Recessive and X-Linked Classification Criteria (2023). Collection method: clinical testing. Allele origin: unknown.
Comment: This variant is considered benign. This variant is a silent/synonymous amino acid change and it is not expected to impact splicing.

Labcorp Genetics (formerly Invitae), Labcorp
Classification: Likely benign. Last evaluated: 2025-01-28. Review status: criteria provided, single submitter. Criteria: Invitae Variant Classification Sherloc (09022015). Collection method: clinical testing. Allele origin: germline.

NM_001276270.2(MBD4):c.51C>G (p.Ala17=)

Genes: MBD4 (methyl-CpG binding domain 4, DNA glycosylase; minus strand), LOC129937550 (ATAC-STARR-seq lymphoblastoid active region 20512; plus strand). Cytogenetic location: 3q21.3.
Variant type: single nucleotide variant.
Coding change: c.51C>G on transcript NM_001276270.2 (MANE Select); coding-DNA position 51, C replaced by G.
Protein change: p.Ala17=; no amino-acid change (alanine 17 retained).
Molecular consequence: synonymous variant.
Genome position (GRCh38, 1-based): chr3:129,439,783, G>C on the plus strand (C>G on the coding strand, the complement: MBD4 is on the minus strand). VCF-style: chr3-129439783-G-C. GRCh37 (hg19) VCF-style: chr3-129158626-G-C.
Other names: c.51C>G, p.Ala17= (NM_001276271.2, NM_001276272.2, NM_001276273.2 and 1 more transcripts).
Identifiers: ClinVar variation 2708891 (VCV002708891.4), dbSNP rs1319701497, ClinGen allele CA435617058.